The following is an entry in ClinVar:

ClinVar aggregate classification (germline): Conflicting classifications of pathogenicity. Review status: criteria provided, conflicting classifications (1 of 4 stars). 3 submissions from 3 submitters: Likely pathogenic (1); Uncertain significance (1). 1 of the submissions does not count toward it. Last evaluated 2025-09-28.

Conditions:
Cystic fibrosis (CF). Also called: MUCOVISCIDOSIS. Identifiers: Orphanet 586, MedGen C0010674, MONDO:0009061, OMIM 219700. Disease mechanism: loss of function.

Allele frequency attached by ClinVar (database versions not stated): gnomAD exomes 0.00001 and below 0.00001; ExAC 0.00001.
gnomAD v4.1: 5 of 1,550,230 alleles (0.00032%); highest among the groups gnomAD compares: African/African-American, 0.0014%; no homozygotes.

Submissions (3):

Labcorp Genetics (formerly Invitae), Labcorp
Classification: Uncertain significance for Cystic fibrosis. Last evaluated: 2025-09-28. Review status: criteria provided, single submitter. Criteria: Invitae Variant Classification Sherloc (09022015). Collection method: clinical testing. Allele origin: germline.
Comment: This sequence change replaces leucine, which is neutral and non-polar, with serine, which is neutral and polar, at codon 88 of the CFTR protein (p.Leu88Ser). This variant is present in population databases (rs397508412, gnomAD 0.0009%). This missense change has been observed in individual(s) with cystic fibrosis (PMID: 8956039). ClinVar contains an entry for this variant (Variation ID: 53533). Invitae Evidence Modeling of protein sequence and biophysical properties (such as structural, functional, and spatial information, amino acid conservation, physicochemical variation, residue mobility, and thermodynamic stability) indicates that this missense variant is expected to disrupt CFTR protein function with a positive predictive value of 80%. In summary, the available evidence is currently insufficient to determine the role of this variant in disease. Therefore, it has been classified as a Variant of Uncertain Significance.

Women's Health and Genetics/Laboratory Corporation of America, LabCorp
Classification: Likely pathogenic for Cystic fibrosis. Last evaluated: 2025-09-05. Review status: criteria provided, single submitter. Criteria: LabCorp Variant Classification Summary - May 2015. Collection method: clinical testing. Allele origin: germline.
Comment: Variant summary: CFTR c.263T>C (p.Leu88Ser) results in a non-conservative amino acid change in the encoded protein sequence. Algorithms developed to predict the effect of missense changes on protein structure and function all suggest that this variant is likely to be disruptive. The variant allele was found at a frequency of 4e-06 in 250778 control chromosomes. c.263T>C has been observed in individuals affected with Cystic Fibrosis (e.g. Hughes_1996, Taylor_1997, Koch_2001). At least one publication reports experimental evidence evaluating an impact on protein function. The most pronounced variant effect resulted in approximately 6% of normal chloride channel conductance relative to wild type (e.g., Bihler_2024). The following publications have been ascertained in the context of this evaluation (PMID: 38388235, 8956039, 11180668, 9487979). ClinVar contains an entry for this variant (Variation ID: 53533). Based on the evidence outlined above, the variant was classified as likely pathogenic.

ClinVar Staff, National Center for Biotechnology Information (NCBI)
No classification provided. Condition: CFTR-related disorders. Review status: no classification provided. Collection method: literature only. Allele origin: germline. Affected: yes. Not counted in ClinVar's aggregate classification.

Literature cited by the submitters: PubMed 8956039 (cited by Labcorp Genetics (formerly Invitae), Labcorp and Women's Health and Genetics/Laboratory Corporation of America, LabCorp); PubMed 11180668 (cited by Women's Health and Genetics/Laboratory Corporation of America, LabCorp and ClinVar Staff, National Center for Biotechnology Information (NCBI)); PubMed 38388235 (cited by Women's Health and Genetics/Laboratory Corporation of America, LabCorp); PubMed 9487979 (cited by Women's Health and Genetics/Laboratory Corporation of America, LabCorp).

NM_000492.4(CFTR):c.263T>C (p.Leu88Ser)

Gene: CFTR (CF transmembrane conductance regulator; plus strand). Cytogenetic location: 7q31.2.
Variant type: single nucleotide variant.
Coding change: c.263T>C on transcript NM_000492.4 (MANE Select); coding-DNA position 263, T replaced by C.
Protein change: p.Leu88Ser; replaces leucine 88 with serine.
Molecular consequence: missense variant.
Genome position (GRCh38, 1-based): chr7:117,509,132, T>C. VCF-style: chr7-117509132-T-C. GRCh37 (hg19) VCF-style: chr7-117149186-T-C.
Other names: short protein forms L88S.
Identifiers: ClinVar variation 53533 (VCV000053533.3), dbSNP rs397508412, ClinGen allele CA326874.